The following is an entry in ClinVar:

NM_206933.4(USH2A):c.10714del (p.Val3572fs)

Gene: USH2A (usherin; minus strand). Cytogenetic location: 1q41.
Variant type: Deletion.
Coding change: c.10714del on transcript NM_206933.4 (MANE Select); coding-DNA position 10714, one base deleted (G; older notation c.10714delG).
Protein change: p.Val3572fs; shifts the reading frame from valine 3572.
Molecular consequence: frameshift variant.
Genome position (GRCh38, 1-based): chr1:215,782,068, C deleted on the plus strand (G on the coding strand, the reverse complement: USH2A is on the minus strand); the first of 2 consecutive C bases (chr1:215,782,068-215,782,069); deleting either gives the same sequence. VCF-style (leftmost placement, unchanged base first): chr1-215782067-AC-A. GRCh37 (hg19) VCF-style: chr1-215955409-AC-A.
Other names: short protein forms V3572fs.
Identifiers: ClinVar variation 2811105 (VCV002811105.3), dbSNP rs2464391439, ClinGen allele CA2739275685.
Genomic context (GRCh38, chr1:215,782,067, plus strand): 5'-CCCCTTTTCCCAGAGTTTAGGCAAACTCCTCTTACCTTGCTACTGGTGGCACAGCCAGCA[AC>A]CGTGCAAGCTTTCAGCTGATATGAATATTCCTGAAATGGTTGAATTCCCTCTTTATCAGA-3'

ClinVar aggregate classification (germline): Pathogenic (1 of 4 stars; one submission).

Submission:

Labcorp Genetics (formerly Invitae), Labcorp
Classification: Pathogenic. Last evaluated: 2022-10-31. Review status: criteria provided, single submitter. Criteria: Invitae Variant Classification Sherloc (09022015). Collection method: clinical testing. Allele origin: germline.
Comment: This sequence change creates a premature translational stop signal (p.Val3572Leufs*10) in the USH2A gene. It is expected to result in an absent or disrupted protein product. Loss-of-function variants in USH2A are known to be pathogenic (PMID: 10729113, 10909849, 20507924, 25649381). This variant is not present in population databases (gnomAD no frequency). This variant has not been reported in the literature in individuals affected with USH2A-related conditions. For these reasons, this variant has been classified as Pathogenic.

Literature cited by the submitters: PubMed 10729113; PubMed 10909849; PubMed 20507924; PubMed 25649381.